The following is an entry in ClinVar:

ClinVar aggregate classification (germline): Pathogenic. Review status: criteria provided, single submitter (1 of 4 stars). 2 submissions from 2 submitters: Pathogenic (1). 1 of the submissions does not count toward it. Last evaluated 2025-04-01.

Conditions:
CREBBP-related disorder. Also called: CREBBP-related condition; CREBBP-related disorders.
Rubinstein-Taybi syndrome due to CREBBP mutations (RSTS1). Also called: Rubinstein-Taybi syndrome 1; RUBINSTEIN-TAYBI SYNDROME 1, INCOMPLETE; BROAD THUMB-HALLUX SYNDROME; RUBINSTEIN SYNDROME; BROAD THUMBS AND GREAT TOES, CHARACTERISTIC FACIES, AND IMPAIRED INTELLECTUAL DEVELOPMENT; CREBBP-Related Rubinstein-Taybi Syndrome. Identifiers: Orphanet 353277, Orphanet 783, MedGen C4551859, MONDO:0008393, OMIM 180849.

Submissions (3):

Laboratoire de Génétique Moléculaire, CHU Bordeaux
Classification: Pathogenic for Rubinstein-Taybi syndrome due to CREBBP mutations. Last evaluated: 2025-04-01. Review status: criteria provided, single submitter. Criteria: ACMG Guidelines, 2015. Collection method: clinical testing. Allele origin: germline. Affected: yes.

PreventionGenetics, part of Exact Sciences
Classification: Pathogenic for CREBBP-related condition. Last evaluated: 2023-11-01. Review status: no assertion criteria provided. Collection method: clinical testing. Allele origin: germline. Not counted in ClinVar's aggregate classification.
Comment: The CREBBP c.1824-1G>T variant is predicted to disrupt the AG splice acceptor site and interfere with normal splicing. To our knowledge, this variant has not been reported in the literature or in a large population database, indicating this variant is rare. Variants that disrupt the consensus splice acceptor site in CREBBP are expected to be pathogenic. This variant is interpreted as pathogenic.

Dr. Peter K. Rogan Lab, Western University
No classification provided (evidence only). Condition: Thyroid cancer, nonmedullary, 1. Review status: no classification provided. Collection method: in vitro. Allele origin: not applicable. Functional consequence: retained intron. Not counted in ClinVar's aggregate classification.

NM_004380.3(CREBBP):c.1824-1G>T

Gene: CREBBP (CREB binding lysine acetyltransferase; minus strand). Cytogenetic location: 16p13.3.
Variant type: single nucleotide variant.
Coding change: c.1824-1G>T on transcript NM_004380.3 (MANE Select); the canonical splice acceptor site of the intron before coding-DNA position 1824, G replaced by T.
Molecular consequence: splice acceptor variant.
Genome position (GRCh38, 1-based): chr16:3,778,818, C>A on the plus strand (G>T on the coding strand, the complement: CREBBP is on the minus strand). VCF-style: chr16-3778818-C-A. GRCh37 (hg19) VCF-style: chr16-3828819-C-A.
Other names: NC_000016.9:g.3828819C>A; c.1710-1G>T (NM_001079846.1).
Identifiers: ClinVar variation 3033590 (VCV003033590.4), dbSNP rs1596910004, ClinGen allele CA394556105.